The following is an entry in ClinVar:

ClinVar aggregate classification (germline): Uncertain significance (1 of 4 stars; one submission).

Conditions:
Periodontitis, aggressive. Identifiers: MedGen C0031106, MONDO:0980757.
Papillon-Lefèvre syndrome (PALS). Also called: KERATOSIS PALMOPLANTARIS WITH PERIODONTOPATHIA; Papillon-Lefevre Disease. Identifiers: Orphanet 678, MedGen C0030360, MONDO:0009490, OMIM 245000.
Haim-Munk syndrome (HMS). Also called: COCHIN JEWISH DISORDER; KERATOSIS PALMOPLANTARIS WITH PERIODONTOPATHIA AND ONYCHOGRYPOSIS. Identifiers: Orphanet 2342, MedGen C1855627, MONDO:0009491, OMIM 245010.

Submission:

Labcorp Genetics (formerly Invitae), Labcorp
Classification: Uncertain significance for Haim-Munk syndrome; Periodontitis, aggressive; Papillon-Lefèvre syndrome. Last evaluated: 2022-12-31. Review status: criteria provided, single submitter. Criteria: Invitae Variant Classification Sherloc (09022015). Collection method: clinical testing. Allele origin: germline.
Comment: This sequence change replaces glutamic acid, which is acidic and polar, with glutamine, which is neutral and polar, at codon 451 of the CTSC protein (p.Glu451Gln). This variant is not present in population databases (gnomAD no frequency). This variant has not been reported in the literature in individuals affected with CTSC-related conditions. Advanced modeling of protein sequence and biophysical properties (such as structural, functional, and spatial information, amino acid conservation, physicochemical variation, residue mobility, and thermodynamic stability) performed at Invitae indicates that this missense variant is expected to disrupt CTSC protein function. In summary, the available evidence is currently insufficient to determine the role of this variant in disease. Therefore, it has been classified as a Variant of Uncertain Significance.

NM_001814.6(CTSC):c.1351G>C (p.Glu451Gln)

Gene: CTSC (cathepsin C; minus strand). Cytogenetic location: 11q14.2.
Variant type: single nucleotide variant.
Coding change: c.1351G>C on transcript NM_001814.6 (MANE Select); coding-DNA position 1351, G replaced by C.
Protein change: p.Glu451Gln; replaces glutamic acid 451 with glutamine.
Molecular consequence: missense variant.
Genome position (GRCh38, 1-based): chr11:88,294,047, C>G on the plus strand (G>C on the coding strand, the complement: CTSC is on the minus strand). VCF-style: chr11-88294047-C-G. GRCh37 (hg19) VCF-style: chr11-88027215-C-G.
Other names: short protein forms E451Q.
Identifiers: ClinVar variation 2936006 (VCV002936006.3), dbSNP rs2496528242, ClinGen allele CA382021331.